The following is an entry in ClinVar:

NM_005751.5(AKAP9):c.2836G>C (p.Glu946Gln)

Gene: AKAP9 (A-kinase anchoring protein 9; plus strand). Cytogenetic location: 7q21.2.
Variant type: single nucleotide variant.
Coding change: c.2836G>C on transcript NM_005751.5 (MANE Select); coding-DNA position 2836, G replaced by C.
Protein change: p.Glu946Gln; replaces glutamic acid 946 with glutamine.
Molecular consequence: missense variant.
Genome position (GRCh38, 1-based): chr7:92,002,753, G>C. VCF-style: chr7-92002753-G-C. GRCh37 (hg19) VCF-style: chr7-91632067-G-C.
Other names: c.2836G>C, p.Glu946Gln (NM_147185.3); short protein forms E946Q.
Identifiers: ClinVar variation 1796648 (VCV001796648.5), dbSNP rs755549001, ClinGen allele CA4336205.
Genomic context (GRCh38, chr7:92,002,753, plus strand): 5'-GAAACATTGGAAATGGGTGAGGTTGTTGAAAAGGATACAACAGAACTCATGGAAAAACTT[G>C]AGGTAACCAAGCGAGAGAAATTAGAGCTGTCACAGAGACTGTCTGATCTTTCTGAACAAT-3'
Protein context (NP_005742.4, residues 936-956): KDTTELMEKL[Glu946Gln]VTKREKLELS

ClinVar aggregate classification (germline): Uncertain significance. Review status: criteria provided, multiple submitters, no conflicts (2 of 4 stars). 2 submissions from 2 submitters: Uncertain significance (2). Last evaluated 2025-05-14.

Conditions:
Cardiovascular phenotype. Identifiers: MedGen CN230736.
Long QT syndrome (LQTS). Identifiers: MedGen C0023976, MeSH D008133, MONDO:0002442. Disease mechanism: loss of function. Inheritance: Various modes of inheritance.

Allele frequency attached by ClinVar (database versions not stated): gnomAD 0.00001; ExAC 0.00002; gnomAD exomes 0.00001.
gnomAD v4.1: 14 of 1,613,568 alleles (0.00087%); highest among the groups gnomAD compares: Admixed American, 0.0067%; no homozygotes.

Submissions (2):

Labcorp Genetics (formerly Invitae), Labcorp
Classification: Uncertain significance for Long QT syndrome. Last evaluated: 2025-05-14. Review status: criteria provided, single submitter. Criteria: Invitae Variant Classification Sherloc (09022015). Collection method: clinical testing. Allele origin: germline.
Comment: This sequence change replaces glutamic acid, which is acidic and polar, with glutamine, which is neutral and polar, at codon 946 of the AKAP9 protein (p.Glu946Gln). This variant is present in population databases (rs755549001, gnomAD 0.006%). This variant has not been reported in the literature in individuals affected with AKAP9-related conditions. ClinVar contains an entry for this variant (Variation ID: 1796648). An algorithm developed to predict the effect of missense changes on protein structure and function (PolyPhen-2) suggests that this variant is likely to be disruptive. In summary, the available evidence is currently insufficient to determine the role of this variant in disease. Therefore, it has been classified as a Variant of Uncertain Significance.

Ambry Genetics
Classification: Uncertain significance for Cardiovascular phenotype. Last evaluated: 2021-08-02. Review status: criteria provided, single submitter. Criteria: Ambry Variant Classification Scheme 2023. Collection method: clinical testing. Allele origin: germline.
Comment: The p.E946Q variant (also known as c.2836G>C), located in coding exon 8 of the AKAP9 gene, results from a G to C substitution at nucleotide position 2836. The glutamic acid at codon 946 is replaced by glutamine, an amino acid with highly similar properties. This amino acid position is conserved. In addition, this alteration is predicted to be tolerated by in silico analysis. Since supporting evidence is limited at this time, the clinical significance of this alteration remains unclear.